The following is an entry in ClinVar:

ClinVar aggregate classification (germline): Uncertain significance (0 of 4 stars; one submission).

Conditions:
TBX3-related disorder. Also called: TBX3-related condition.

Submission:

PreventionGenetics, part of Exact Sciences
Classification: Uncertain significance for TBX3-related condition. Last evaluated: 2024-07-05. Review status: no assertion criteria provided. Collection method: clinical testing. Allele origin: germline.
Comment: The TBX3 c.1034C>T variant is predicted to result in the amino acid substitution p.Ala345Val. To our knowledge, this variant has not been reported in the literature or in a large population database, indicating this variant is rare. At this time, the clinical significance of this variant is uncertain due to the absence of conclusive functional and genetic evidence.

NM_005996.4(TBX3):c.974C>T (p.Ala325Val)

Gene: TBX3 (T-box transcription factor 3; minus strand). Cytogenetic location: 12q24.21.
Variant type: single nucleotide variant.
Coding change: c.974C>T on transcript NM_005996.4 (MANE Select); coding-DNA position 974, C replaced by T.
Protein change: p.Ala325Val; replaces alanine 325 with valine.
Molecular consequence: missense variant.
Genome position (GRCh38, 1-based): chr12:114,676,378, G>A on the plus strand (C>T on the coding strand, the complement: TBX3 is on the minus strand). VCF-style: chr12-114676378-G-A. GRCh37 (hg19) VCF-style: chr12-115114183-G-A.
Other names: c.1034C>T, p.Ala345Val (NM_016569.4); short protein forms A325V, A345V.
Identifiers: ClinVar variation 3344226 (VCV003344226.1).